The following is an entry in ClinVar:

NM_020778.5(ALPK3):c.5114G>A (p.Arg1705Gln)

Gene: ALPK3 (alpha kinase 3; plus strand). Cytogenetic location: 15q25.3.
Variant type: single nucleotide variant.
Coding change: c.5114G>A on transcript NM_020778.5 (MANE Select); coding-DNA position 5114, G replaced by A.
Protein change: p.Arg1705Gln; replaces arginine 1705 with glutamine.
Molecular consequence: missense variant.
Genome position (GRCh38, 1-based): chr15:84,868,452, G>A. VCF-style: chr15-84868452-G-A. GRCh37 (hg19) VCF-style: chr15-85411683-G-A.
Other names: p.Arg1907Gln; short protein forms R1705Q.
Identifiers: ClinVar variation 1435526 (VCV001435526.15), dbSNP rs116585466, ClinGen allele CA7710162.

ClinVar aggregate classification (germline): Conflicting classifications of pathogenicity. Review status: criteria provided, conflicting classifications (1 of 4 stars). 7 submissions from 7 submitters: Uncertain significance (5); Likely benign (1). 1 of the submissions does not count toward it. Last evaluated 2026-06-29.

Conditions:
ALPK3-related disorder. Also called: ALPK3-related condition.
Hypertrophic cardiomyopathy. Also called: HYPERTROPHIC MYOCARDIOPATHY. Identifiers: Orphanet 217569, MedGen C0007194, MeSH D002312, MONDO:0005045, HP:0001639.
Cardiovascular phenotype. Identifiers: MedGen CN230736.

Allele frequency attached by ClinVar (database versions not stated): gnomAD exomes 0.00012; ExAC 0.00013; 1000 Genomes Project 30x 0.00016; 1000 Genomes Project 0.00020; gnomAD 0.00030 and 0.00032; TOPMed 0.00036; ESP Exome Variant Server 0.00085.
gnomAD v4.1: 109 of 1,605,288 alleles (0.0068%); highest among the groups gnomAD compares: African/African-American, 0.11%; 1 homozygote.

Submissions (7):

PreventionGenetics, part of Exact Sciences
Classification: Uncertain significance for ALPK3-related condition. Last evaluated: 2026-06-29. Review status: criteria provided, single submitter. Criteria: ACMG Guidelines, 2015. Collection method: clinical testing. Allele origin: germline.
Comment: The ALPK3 c.5720G>A variant is predicted to result in the amino acid substitution p.Arg1907Gln. This variant has been reported in the heterozygous state in an individual with hypertrophic cardiomyopathy (Jaouadi et al. 2024. PubMed ID: 39554508). This variant is reported in 0.14% of alleles in individuals of African descent in gnomAD. Although we suspect that this variant may be benign, at this time, the clinical significance of this variant is uncertain due to the absence of conclusive functional and genetic evidence.

GeneDx
Classification: Uncertain significance. Last evaluated: 2026-04-22. Review status: criteria provided, single submitter. Criteria: GeneDx Variant Classification Process June 2021. Collection method: clinical testing. Allele origin: germline.
Comment: In silico analysis suggests that this missense variant does not alter protein structure/function; Observed in a patient with hypertrophic cardiomyopathy (PMID: 39554508); This variant is associated with the following publications: (PMID: 39554508)

Women's Health and Genetics/Laboratory Corporation of America, LabCorp
Classification: Uncertain significance. Last evaluated: 2026-03-16. Review status: criteria provided, single submitter. Criteria: LabCorp Variant Classification Summary - May 2015. Collection method: clinical testing. Allele origin: germline.
Comment: Variant summary: ALPK3 c.5114G>A (p.Arg1705Gln) results in a conservative amino acid change in the encoded protein sequence. Algorithms developed to predict the effect of missense changes on protein structure and function all suggest that this variant is likely to be tolerated. The variant allele was found at a frequency of 6.8e-05 in 1598510 control chromosomes, predominantly at a frequency of 0.0011 within the African or African-American subpopulation in the gnomAD database, including 1 homozygote. This frequency is not significantly higher than the maximum estimated for disease-causing variants in ALPK3, allowing no conclusion about variant significance. c.5114G>A has been observed in a heterozygous individual affected with hypertrophic cardiomyopathy (Jaouadi_2024). These report(s) do not provide unequivocal conclusions about association of the variant with Cardiomyopathy. To our knowledge, no experimental evidence demonstrating an impact on protein function has been reported. The following publication have been ascertained in the context of this evaluation (PMID: 39554508). ClinVar contains an entry for this variant (Variation ID: 1435526). Based on the evidence outlined above, the variant was classified as uncertain significance.

Labcorp Genetics (formerly Invitae), Labcorp
Classification: Uncertain significance. Last evaluated: 2026-01-31. Review status: criteria provided, single submitter. Criteria: Invitae Variant Classification Sherloc (09022015). Collection method: clinical testing. Allele origin: germline.
Comment: This sequence change replaces arginine, which is basic and polar, with glutamine, which is neutral and polar, at codon 1907 of the ALPK3 protein (p.Arg1907Gln). This variant is present in population databases (rs116585466, gnomAD 0.1%). This missense change has been observed in individual(s) with hypertrophic cardiomyopathy (PMID: 39554508). ClinVar contains an entry for this variant (Variation ID: 1435526). An algorithm developed to predict the effect of missense changes on protein structure and function outputs the following: PolyPhen-2: "Probably Damaging". The glutamine amino acid residue is found in multiple mammalian species, which suggests that this missense change does not adversely affect protein function. In summary, the available evidence is currently insufficient to determine the role of this variant in disease. Therefore, it has been classified as a Variant of Uncertain Significance.

Ambry Genetics
Classification: Uncertain significance for Cardiovascular phenotype. Last evaluated: 2025-06-09. Review status: criteria provided, single submitter. Criteria: Ambry Variant Classification Scheme 2023. Collection method: clinical testing. Allele origin: germline.
Comment: The p.R1907Q variant (also known as c.5720G>A), located in coding exon 14 of the ALPK3 gene, results from a G to A substitution at nucleotide position 5720. The arginine at codon 1907 is replaced by glutamine, an amino acid with highly similar properties. This variant was reported in a hypertrophic cardiomyopathy cohort (Jaouadi H et al. Front Med (Lausanne), 2024 Oct;11:1480947). This amino acid position is not well conserved in available vertebrate species. In addition, this alteration is predicted to be tolerated by in silico analysis. Based on the available evidence, the clinical significance of this variant remains unclear.

Mayo Clinic Laboratories, Mayo Clinic
Classification: Likely benign. Last evaluated: 2025-02-17. Review status: criteria provided, single submitter. Criteria: ACMG Guidelines, 2015. Collection method: clinical testing. Allele origin: germline. Observed: 1 variant allele.
Comment: BS1, BP4_moderate

Zaffran Lab, Genetics of Cardiac Diseases Laboratory, Marseille Medical Genetics
Classification: Uncertain significance for hypertrophic cardiomyopathy. Review status: no assertion criteria provided. Collection method: research. Allele origin: unknown. Affected: yes. Not counted in ClinVar's aggregate classification.

Literature cited by the submitters: PubMed 39554508 (cited by 4 submitters).